The following is an entry in ClinVar:

NM_000535.7(PMS2):c.1327A>G (p.Arg443Gly)

Gene: PMS2 (PMS1 homolog 2, mismatch repair system component; minus strand). Cytogenetic location: 7p22.1.
Variant type: single nucleotide variant.
Coding change: c.1327A>G on transcript NM_000535.7 (MANE Select); coding-DNA position 1327, A replaced by G.
Protein change: p.Arg443Gly; replaces arginine 443 with glycine.
Molecular consequence: missense variant. On other transcripts: non-coding transcript variant (1).
Genome position (GRCh38, 1-based): chr7:5,987,438, T>C on the plus strand (A>G on the coding strand, the complement: PMS2 is on the minus strand). VCF-style: chr7-5987438-T-C. GRCh37 (hg19) VCF-style: chr7-6027069-T-C.
Other names: c.922A>G, p.Arg308Gly (NM_001322003.2, NM_001322004.2, NM_001322005.2 and 1 more transcripts); c.1171A>G, p.Arg391Gly (NM_001322006.2); c.1009A>G, p.Arg337Gly (NM_001322007.2, NM_001322008.2); c.766A>G, p.Arg256Gly (NM_001322010.2); c.394A>G, p.Arg132Gly (NM_001322011.2, NM_001322012.2); c.754A>G, p.Arg252Gly (NM_001322013.2); c.1327A>G, p.Arg443Gly (NM_001322014.2); c.1018A>G, p.Arg340Gly (NM_001322015.2); short protein forms R443G, R132G, R256G, R340G, R308G, R337G, R252G, R391G.
Identifiers: ClinVar variation 568903 (VCV000568903.13), dbSNP rs1222691058, ClinGen allele CA366742328.

ClinVar aggregate classification (germline): Conflicting classifications of pathogenicity. Review status: criteria provided, conflicting classifications (1 of 4 stars). 3 submissions from 3 submitters: Uncertain significance (2); Likely benign (1). Last evaluated 2025-12-02.

Conditions:
Hereditary nonpolyposis colorectal neoplasms. Identifiers: MedGen C0009405, MeSH D003123.
Hereditary cancer-predisposing syndrome. Also called: Neoplastic Syndromes, Hereditary; Tumor predisposition; Hereditary neoplastic syndrome; Hereditary Cancer Syndrome. Identifiers: Orphanet 140162, MedGen C0027672, MeSH D009386, MONDO:0015356.

Allele frequency attached by ClinVar (database versions not stated): gnomAD exomes below 0.00001.
gnomAD v4.1: 2 of 1,614,170 alleles (0.00012%); highest among the groups gnomAD compares: South Asian, 0.0022%; no homozygotes.

Submissions (3):

Labcorp Genetics (formerly Invitae), Labcorp
Classification: Uncertain significance for Hereditary nonpolyposis colorectal neoplasms. Last evaluated: 2025-12-02. Review status: criteria provided, single submitter. Criteria: Invitae Variant Classification Sherloc (09022015). Collection method: clinical testing. Allele origin: germline.
Comment: This sequence change replaces arginine, which is basic and polar, with glycine, which is neutral and non-polar, at codon 443 of the PMS2 protein (p.Arg443Gly). This variant is present in population databases (no rsID available, gnomAD 0.003%). This variant has not been reported in the literature in individuals affected with PMS2-related conditions. ClinVar contains an entry for this variant (Variation ID: 568903). Invitae Evidence Modeling incorporating data from in vitro experimental studies (internal data) indicates that this missense variant is not expected to disrupt PMS2 function with a negative predictive value of 95%. In summary, the available evidence is currently insufficient to determine the role of this variant in disease. Therefore, it has been classified as a Variant of Uncertain Significance.

Ambry Genetics
Classification: Likely benign for Hereditary cancer-predisposing syndrome. Last evaluated: 2025-11-24. Review status: criteria provided, single submitter. Criteria: Ambry Variant Classification Scheme 2023. Collection method: clinical testing. Allele origin: germline.

Color Diagnostics, LLC DBA Color Health
Classification: Uncertain significance for Hereditary cancer-predisposing syndrome. Last evaluated: 2023-03-15. Review status: criteria provided, single submitter. Criteria: ACMG Guidelines, 2015. Collection method: clinical testing. Allele origin: germline.
Comment: This missense variant replaces arginine with glycine at codon 443 of the PMS2 protein. Computational prediction suggests that this variant may not impact protein structure and function (internally defined REVEL score threshold <= 0.5, PMID: 27666373). To our knowledge, functional studies have not been reported for this variant. This variant has not been reported in individuals affected with PMS2-related disorders in the literature. This variant has been identified in 1/251434 chromosomes in the general population by the Genome Aggregation Database (gnomAD). The available evidence is insufficient to determine the role of this variant in disease conclusively. Therefore, this variant is classified as a Variant of Uncertain Significance.